The following is an entry in ClinVar:

NM_016035.5(COQ4):c.611T>C (p.Ile204Thr)

Gene: COQ4 (coenzyme Q4; plus strand). Cytogenetic location: 9q34.11.
Variant type: single nucleotide variant.
Coding change: c.611T>C on transcript NM_016035.5 (MANE Select); coding-DNA position 611, T replaced by C.
Protein change: p.Ile204Thr; replaces isoleucine 204 with threonine.
Molecular consequence: missense variant. On other transcripts: intron variant (1).
Genome position (GRCh38, 1-based): chr9:128,332,928, T>C. VCF-style: chr9-128332928-T-C. GRCh37 (hg19) VCF-style: chr9-131095207-T-C.
Other names: c.*3-546T>C (NM_001305942.2); short protein forms I204T.
Identifiers: ClinVar variation 1351214 (VCV001351214.5), dbSNP rs1010206891, ClinGen allele CA5260634.

ClinVar aggregate classification (germline): Uncertain significance (1 of 4 stars; one submission).

Conditions:
Neonatal encephalomyopathy-cardiomyopathy-respiratory distress syndrome. Also called: Coenzyme Q10 deficiency, primary, 7. Identifiers: Orphanet 457185, MedGen C5568562, MONDO:0014562, OMIM 616276.

Allele frequency attached by ClinVar (database versions not stated): gnomAD 0.00003 and 0.00004; gnomAD exomes 0.00003 and 0.00004; TOPMed 0.00005; ExAC 0.00007.
gnomAD v4.1: 52 of 1,613,914 alleles (0.0032%); highest among the groups gnomAD compares: East Asian, 0.0067%; no homozygotes.

Submission:

Labcorp Genetics (formerly Invitae), Labcorp
Classification: Uncertain significance for Neonatal encephalomyopathy-cardiomyopathy-respiratory distress syndrome. Last evaluated: 2022-08-23. Review status: criteria provided, single submitter. Criteria: Invitae Variant Classification Sherloc (09022015). Collection method: clinical testing. Allele origin: germline.
Comment: This sequence change replaces isoleucine, which is neutral and non-polar, with threonine, which is neutral and polar, at codon 204 of the COQ4 protein (p.Ile204Thr). This variant is present in population databases (no rsID available, gnomAD 0.007%). This variant has not been reported in the literature in individuals affected with COQ4-related conditions. ClinVar contains an entry for this variant (Variation ID: 1351214). Algorithms developed to predict the effect of missense changes on protein structure and function (SIFT, PolyPhen-2, Align-GVGD) all suggest that this variant is likely to be tolerated. In summary, the available evidence is currently insufficient to determine the role of this variant in disease. Therefore, it has been classified as a Variant of Uncertain Significance.